The following is an entry in ClinVar:

NM_014423.4(AFF4):c.1822T>A (p.Ser608Thr)

Gene: AFF4 (ALF transcription elongation factor 4; minus strand). Cytogenetic location: 5q31.1.
Variant type: single nucleotide variant.
Coding change: c.1822T>A on transcript NM_014423.4 (MANE Select); coding-DNA position 1822, T replaced by A.
Protein change: p.Ser608Thr; replaces serine 608 with threonine.
Molecular consequence: missense variant.
Genome position (GRCh38, 1-based): chr5:132,896,808, A>T on the plus strand (T>A on the coding strand, the complement: AFF4 is on the minus strand). VCF-style: chr5-132896808-A-T. GRCh37 (hg19) VCF-style: chr5-132232500-A-T.
Other names: short protein forms S608T.
Identifiers: ClinVar variation 5021083 (VCV005021083.1).

ClinVar aggregate classification (germline): Uncertain significance (1 of 4 stars; one submission).

Submission:

Dasa
Classification: Uncertain significance. Last evaluated: 2024-08-13. Review status: criteria provided, single submitter. Criteria: DASA Assertion Criteria. Collection method: clinical testing. Allele origin: germline.
Comment: NM_014423.4(AFF4):c.1822T>A (p.Ser608Thr) is a missense variant that results in the substitution of serine with threonine. This variant is absent from population databases. Computational prediction algorithms are consistent with a benign effect. The currently available literature and clinical evidence are not sufficient to establish a definitive association between this variant and the reported condition. Therefore, this variant is classified as a variant of uncertain significance.